The following is an entry in ClinVar:

NM_198880.3(QRICH1):c.186A>G (p.Ile62Met)

Gene: QRICH1 (glutamine rich 1; minus strand). Cytogenetic location: 3p21.31.
Variant type: single nucleotide variant.
Coding change: c.186A>G on transcript NM_198880.3 (MANE Select); coding-DNA position 186, A replaced by G.
Protein change: p.Ile62Met; replaces isoleucine 62 with methionine.
Molecular consequence: missense variant.
Genome position (GRCh38, 1-based): chr3:49,076,832, T>C on the plus strand (A>G on the coding strand, the complement: QRICH1 is on the minus strand). VCF-style: chr3-49076832-T-C. GRCh37 (hg19) VCF-style: chr3-49114265-T-C.
Other names: c.186A>G, p.Ile62Met (NM_001320580.2, NM_001320581.2, NM_001320582.2 and 4 more transcripts); short protein forms I62M.
Identifiers: ClinVar variation 2446287 (VCV002446287.1), dbSNP rs2471767267, ClinGen allele CA352686222.

ClinVar aggregate classification (germline): Uncertain significance (1 of 4 stars; one submission).

Submission:

GeneDx
Classification: Uncertain significance. Last evaluated: 2022-09-23. Review status: criteria provided, single submitter. Criteria: GeneDx Variant Classification Process June 2021. Collection method: clinical testing. Allele origin: germline. Affected: yes.
Comment: Not observed at significant frequency in large population cohorts (gnomAD); In silico analysis supports that this missense variant has a deleterious effect on protein structure/function; Has not been previously published as pathogenic or benign to our knowledge